The following is an entry in ClinVar:

ClinVar aggregate classification (germline): Uncertain significance. Review status: criteria provided, multiple submitters, no conflicts (2 of 4 stars). 2 submissions from 2 submitters: Uncertain significance (2). Last evaluated 2026-03-02.

gnomAD v4.1: 2 of 1,572,024 alleles (0.00013%); highest among the groups gnomAD compares: Middle Eastern, 0.017%; no homozygotes.

Submissions (2):

Women's Health and Genetics/Laboratory Corporation of America, LabCorp
Classification: Uncertain significance. Last evaluated: 2026-03-02. Review status: criteria provided, single submitter. Criteria: LabCorp Variant Classification Summary - May 2015. Collection method: clinical testing. Allele origin: germline.

Labcorp Genetics (formerly Invitae), Labcorp
Classification: Uncertain significance. Last evaluated: 2022-06-03. Review status: criteria provided, single submitter. Criteria: Invitae Variant Classification Sherloc (09022015). Collection method: clinical testing. Allele origin: germline.
Comment: This sequence change replaces threonine, which is neutral and polar, with serine, which is neutral and polar, at codon 1392 of the ALPK3 protein (p.Thr1392Ser). This variant is not present in population databases (gnomAD no frequency). This variant has not been reported in the literature in individuals affected with ALPK3-related conditions. Algorithms developed to predict the effect of missense changes on protein structure and function output the following: SIFT: "Tolerated"; PolyPhen-2: "Benign"; Align-GVGD: "Class C0". The serine amino acid residue is found in multiple mammalian species, which suggests that this missense change does not adversely affect protein function. In summary, the available evidence is currently insufficient to determine the role of this variant in disease. Therefore, it has been classified as a Variant of Uncertain Significance.

NM_020778.5(ALPK3):c.3568A>T (p.Thr1190Ser)

Gene: ALPK3 (alpha kinase 3; plus strand). Cytogenetic location: 15q25.3.
Variant type: single nucleotide variant.
Coding change: c.3568A>T on transcript NM_020778.5 (MANE Select); coding-DNA position 3568, A replaced by T.
Protein change: p.Thr1190Ser; replaces threonine 1190 with serine.
Molecular consequence: missense variant.
Genome position (GRCh38, 1-based): chr15:84,858,306, A>T. VCF-style: chr15-84858306-A-T. GRCh37 (hg19) VCF-style: chr15-85401537-A-T.
Other names: short protein forms T1190S.
Identifiers: ClinVar variation 2055833 (VCV002055833.5), dbSNP rs942995582, ClinGen allele CA273625656.